The following is an entry in ClinVar:

ClinVar aggregate classification (germline): Conflicting classifications of pathogenicity. Review status: criteria provided, conflicting classifications (1 of 4 stars). 7 submissions from 7 submitters: Uncertain significance (6); Likely benign (1). Last evaluated 2025-09-15.

Conditions:
Hereditary cancer-predisposing syndrome. Also called: Hereditary neoplastic syndrome; Neoplastic Syndromes, Hereditary; Tumor predisposition; Hereditary Cancer Syndrome. Identifiers: Orphanet 140162, MedGen C0027672, MeSH D009386, MONDO:0015356.
CHEK2-related cancer predisposition (TPDS4). Also called: TUMOR PREDISPOSITION SYNDROME 4; CANCER PREDISPOSITION SYNDROME, CHEK2-RELATED; CHEK2-related cancer susceptibility. Identifiers: Orphanet 524, MedGen C5882668, MONDO:0700271, OMIM 609265.
Familial cancer of breast. Also called: BREAST CANCER, FAMILIAL; Hereditary breast cancer; hereditary breast carcinoma. Identifiers: Orphanet 227535, MedGen C0346153, MONDO:0016419, OMIM 114480. Disease mechanism: loss of function.

Allele frequency attached by ClinVar (database versions not stated): TOPMed below 0.00001; gnomAD 0.00001; gnomAD exomes 0.00001 and 0.00002; ExAC 0.00002; ESP Exome Variant Server 0.00008.
gnomAD v4.1: 20 of 1,613,720 alleles (0.0012%); highest among the groups gnomAD compares: Non-Finnish European, 0.0015%; no homozygotes.

Submissions (7):

Quest Diagnostics Nichols Institute San Juan Capistrano
Classification: Uncertain significance. Last evaluated: 2025-09-15. Review status: criteria provided, single submitter. Criteria: Quest Diagnostics criteria. Collection method: clinical testing. Allele origin: unknown.
Comment: The CHEK2 c.1214A>G (p.Asn405Ser) variant has been reported in the published literature in individuals with breast cancer (PMID: 28779002 (2017), 33471991 (2021), see also LOVD). This variant has also been identified in reportedly unaffected individuals (PMID: 28779002 (2017), 33471991 (2021), see also LOVD). The frequency of this variant in the general population (Genome Aggregation Database) is uninformative in the assessment of its pathogenicity. Analysis of this variant using bioinformatics tools for the prediction of the effect of amino acid changes on protein structure and function yielded predictions that this variant is benign. Based on the available information, we are unable to determine the clinical significance of this variant.

Color Diagnostics, LLC DBA Color Health
Classification: Uncertain significance for Hereditary cancer-predisposing syndrome. Last evaluated: 2025-09-11. Review status: criteria provided, single submitter. Criteria: ACMG Guidelines, 2015. Collection method: clinical testing. Allele origin: germline.
Comment: This missense variant replaces asparagine with serine at codon 405 of the CHEK2 protein. Computational prediction suggests that this variant may not impact protein structure and function. To our knowledge, functional studies have not been reported for this variant. This variant has not been reported in individuals affected with hereditary cancer in the literature. This variant has been identified in 5/282280 chromosomes in the general population by the Genome Aggregation Database (gnomAD). The available evidence is insufficient to determine the role of this variant in disease conclusively. Therefore, this variant is classified as a Variant of Uncertain Significance.

Ambry Genetics
Classification: Likely benign for Hereditary cancer-predisposing syndrome. Last evaluated: 2025-07-28. Review status: criteria provided, single submitter. Criteria: Ambry Variant Classification Scheme 2023. Collection method: clinical testing. Allele origin: germline.

Labcorp Genetics (formerly Invitae), Labcorp
Classification: Uncertain significance for Familial cancer of breast. Last evaluated: 2024-01-27. Review status: criteria provided, single submitter. Criteria: Invitae Variant Classification Sherloc (09022015). Collection method: clinical testing. Allele origin: germline.
Comment: This sequence change replaces asparagine, which is neutral and polar, with serine, which is neutral and polar, at codon 405 of the CHEK2 protein (p.Asn405Ser). This variant is present in population databases (rs369070738, gnomAD 0.004%). This variant has not been reported in the literature in individuals affected with CHEK2-related conditions. ClinVar contains an entry for this variant (Variation ID: 186080). Algorithms developed to predict the effect of missense changes on protein structure and function output the following: SIFT: "Not Available"; PolyPhen-2: "Benign"; Align-GVGD: "Not Available". The serine amino acid residue is found in multiple mammalian species, which suggests that this missense change does not adversely affect protein function. In summary, the available evidence is currently insufficient to determine the role of this variant in disease. Therefore, it has been classified as a Variant of Uncertain Significance.

Baylor Genetics
Classification: Uncertain significance for Familial cancer of breast. Last evaluated: 2023-12-24. Review status: criteria provided, single submitter. Criteria: ACMG Guidelines, 2015. Collection method: clinical testing. Allele origin: unknown.

GeneDx
Classification: Uncertain significance. Last evaluated: 2020-03-02. Review status: criteria provided, single submitter. Criteria: GeneDx Variant Classification Process June 2021. Collection method: clinical testing. Allele origin: germline. Affected: yes.
Comment: Not observed at a significant frequency in large population cohorts (Lek et al., 2016); In silico analysis supports that this missense variant does not alter protein structure/function; Has not been previously published as pathogenic or benign to our knowledge

Women's Health and Genetics/Laboratory Corporation of America, LabCorp
Classification: Uncertain significance. Last evaluated: 2017-07-03. Review status: criteria provided, single submitter. Criteria: LabCorp Variant Classification Summary - May 2015. Collection method: clinical testing. Allele origin: germline.
Comment: Variant summary: The CHEK2 c.1214A>G (p.Asn405Ser) variant involves the alteration of a non-conserved nucleotide, resulting in a missense change in the protein kinase-like domain (InterPro). 4/4 in silico tools predict a benign outcome for this variant (SNPsandGO not captured due to low reliability index). This variant was found in the large control database ExAC at a frequency of 0.0000167 (2/119788 control chromosomes), which does not exceed the estimated maximal expected allele frequency of a pathogenic CHEK2 variant (0.0000284). One clinical diagnostic laborator has classified this variant as one of uncertain significance. The variant of interest has not, to our knowledge, been reported in affected individuals via publications, nor has it been evaluated for functional impact by in vivo/vitro studies. Because of the absence of clinical information and the lack of functional studies, the variant is classified as a variant of uncertain significance (VUS) until additional information becomes available.

Literature cited by the submitters: PubMed 28779002 (cited by Quest Diagnostics Nichols Institute San Juan Capistrano and Ambry Genetics); PubMed 33471991 (cited by Quest Diagnostics Nichols Institute San Juan Capistrano).

NM_007194.4(CHEK2):c.1214A>G (p.Asn405Ser)

Gene: CHEK2 (checkpoint kinase 2; minus strand). Cytogenetic location: 22q12.1.
Variant type: single nucleotide variant.
Coding change: c.1214A>G on transcript NM_007194.4 (MANE Select); coding-DNA position 1214, A replaced by G.
Protein change: p.Asn405Ser; replaces asparagine 405 with serine.
Molecular consequence: missense variant.
Genome position (GRCh38, 1-based): chr22:28,695,755, T>C on the plus strand (A>G on the coding strand, the complement: CHEK2 is on the minus strand). VCF-style: chr22-28695755-T-C. GRCh37 (hg19) VCF-style: chr22-29091743-T-C.
Other names: c.1343A>G, p.Asn448Ser (NM_001005735.3); c.551A>G, p.Asn184Ser (NM_001257387.3); c.1013A>G, p.Asn338Ser (NM_001349956.3); c.1127A>G, p.Asn376Ser (NM_145862.3); short protein forms N405S, N184S, N338S, N376S, N448S.
Identifiers: ClinVar variation 186080 (VCV000186080.25), dbSNP rs369070738, ClinGen allele CA193808.
Genomic context (GRCh38, chr22:28,695,755, plus strand): 5'-GAAAATATTTCTTACCAGATAAAAAGAATAACTCCTAAACTCCAGCAGTCCACAGCACGG[T>C]TATACCCAGCAGTCCCAACAGAAACAAGAACTTCAGGCGCCAAGTAGGTGGGGGTTCCAC-3'
Protein context (NP_009125.1, residues 395-415): VLVSVGTAGY[Asn405Ser]RAVDCWSLGV